The following is an entry in ClinVar:

ClinVar aggregate classification (germline): Uncertain significance. Review status: criteria provided, multiple submitters, no conflicts (2 of 4 stars). 2 submissions from 2 submitters: Uncertain significance (2). Last evaluated 2025-11-10.

Submissions (2):

Dasa
Classification: Uncertain significance. Last evaluated: 2025-11-10. Review status: criteria provided, single submitter. Criteria: DASA Assertion Criteria. Collection method: clinical testing. Allele origin: germline.
Comment: NM_001375524.1(TRRAP):c.7176+4A>G is a splice-region variant. This variant is absent from population databases. Computational prediction algorithms are consistent with a deleterious effect. The currently available literature and clinical evidence are not sufficient to establish a definitive association between this variant and the reported condition. Therefore, this variant is classified as a variant of uncertain significance.

Laboratorio de Genetica e Diagnostico Molecular, Hospital Israelita Albert Einstein
Classification: Uncertain significance. Last evaluated: 2021-11-29. Review status: criteria provided, single submitter. Criteria: ACMG Guidelines, 2015. Collection method: clinical testing. Allele origin: germline. Affected: yes.
Comment: ACMG classification criteria: PM2

NM_001375524.1(TRRAP):c.7176+4A>G

Gene: TRRAP (transformation/transcription domain associated protein; plus strand). Cytogenetic location: 7q22.1.
Variant type: single nucleotide variant.
Coding change: c.7176+4A>G on transcript NM_001375524.1 (MANE Select); 4 bases into the intron after coding-DNA position 7176, A replaced by G.
Molecular consequence: intron variant.
Genome position (GRCh38, 1-based): chr7:98,965,899, A>G. VCF-style: chr7-98965899-A-G. GRCh37 (hg19) VCF-style: chr7-98563522-A-G.
Other names: c.7155+4A>G (NM_001244580.2); c.7101+4A>G (NM_003496.4).
Identifiers: ClinVar variation 1690504 (VCV001690504.4), dbSNP rs2116686587, ClinGen allele CA2573142530.